The following is an entry in ClinVar:

ClinVar aggregate classification (germline): Uncertain significance. Review status: criteria provided, multiple submitters, no conflicts (2 of 4 stars). 3 submissions from 3 submitters: Uncertain significance (3). Last evaluated 2026-01-21.

Conditions:
Hereditary cancer-predisposing syndrome. Also called: Tumor predisposition; Hereditary neoplastic syndrome; Hereditary Cancer Syndrome; Neoplastic Syndromes, Hereditary. Identifiers: Orphanet 140162, MedGen C0027672, MeSH D009386, MONDO:0015356.

Submissions (3):

Ambry Genetics
Classification: Uncertain significance for Hereditary cancer-predisposing syndrome. Last evaluated: 2026-01-21. Review status: criteria provided, single submitter. Criteria: Ambry Variant Classification Scheme 2023. Collection method: clinical testing. Allele origin: germline.

Labcorp Genetics (formerly Invitae), Labcorp
Classification: Uncertain significance. Last evaluated: 2024-09-03. Review status: criteria provided, single submitter. Criteria: Invitae Variant Classification Sherloc (09022015). Collection method: clinical testing. Allele origin: germline.
Comment: This sequence change replaces isoleucine, which is neutral and non-polar, with methionine, which is neutral and non-polar, at codon 357 of the FH protein (p.Ile357Met). This variant is not present in population databases (gnomAD no frequency). This variant has not been reported in the literature in individuals affected with FH-related conditions. ClinVar contains an entry for this variant (Variation ID: 999838). Invitae Evidence Modeling of protein sequence and biophysical properties (such as structural, functional, and spatial information, amino acid conservation, physicochemical variation, residue mobility, and thermodynamic stability) indicates that this missense variant is not expected to disrupt FH protein function with a negative predictive value of 95%. In summary, the available evidence is currently insufficient to determine the role of this variant in disease. Therefore, it has been classified as a Variant of Uncertain Significance.

GeneDx
Classification: Uncertain significance. Last evaluated: 2023-11-21. Review status: criteria provided, single submitter. Criteria: GeneDx Variant Classification Process June 2021. Collection method: clinical testing. Allele origin: germline. Affected: yes.
Comment: Not observed at significant frequency in large population cohorts (gnomAD); In silico analysis supports that this missense variant does not alter protein structure/function; Has not been previously published as pathogenic or benign to our knowledge

NM_000143.4(FH):c.1071C>G (p.Ile357Met)

Gene: FH (fumarate hydratase; minus strand). Cytogenetic location: 1q43.
Variant type: single nucleotide variant.
Coding change: c.1071C>G on transcript NM_000143.4 (MANE Select); coding-DNA position 1071, C replaced by G.
Protein change: p.Ile357Met; replaces isoleucine 357 with methionine.
Molecular consequence: missense variant.
Genome position (GRCh38, 1-based): chr1:241,504,079, G>C on the plus strand (C>G on the coding strand, the complement: FH is on the minus strand). VCF-style: chr1-241504079-G-C. GRCh37 (hg19) VCF-style: chr1-241667379-G-C.
Other names: c.1071C>G (NM_000143.3); short protein forms I357M.
Identifiers: ClinVar variation 999838 (VCV000999838.13), dbSNP rs1391140770, ClinGen allele CA345438052.